The following is an entry in ClinVar:

ClinVar aggregate classification (germline): Benign/Likely benign. Review status: criteria provided, multiple submitters, no conflicts (2 of 4 stars). 6 submissions from 6 submitters: Benign (4); Likely benign (2). Last evaluated 2026-01-14.

Conditions:
Nephronophthisis 16 (NPHP16). Identifiers: Orphanet 655, MedGen C3809320, MONDO:0014158, OMIM 615382.

Allele frequency attached by ClinVar (database versions not stated): ExAC 0.00270; 1000 Genomes Project 0.00879; gnomAD exomes 0.00212; 1000 Genomes Project 30x 0.00859; TOPMed 0.00984; gnomAD 0.00897 and 0.00974; ESP Exome Variant Server 0.00915.
gnomAD v4.1: 2,871 of 1,599,078 alleles (0.18%); highest among the groups gnomAD compares: African/African-American, 3.3%; 45 homozygotes.

Submissions (6):

Labcorp Genetics (formerly Invitae), Labcorp
Classification: Benign for Nephronophthisis 16. Last evaluated: 2026-01-14. Review status: criteria provided, single submitter. Criteria: Invitae Variant Classification Sherloc (09022015). Collection method: clinical testing. Allele origin: germline.

Mayo Clinic Laboratories, Mayo Clinic
Classification: Benign. Last evaluated: 2023-04-19. Review status: criteria provided, single submitter. Criteria: ACMG Guidelines, 2015. Collection method: clinical testing. Allele origin: germline. Observed: 2 variant alleles.
Comment: BS1, BS2, BP4, BP7

ARUP Laboratories, Molecular Genetics and Genomics, ARUP Laboratories
Classification: Benign for Nephronophthisis 16. Last evaluated: 2022-03-09. Review status: criteria provided, single submitter. Criteria: ARUP Molecular Germline Variant Investigation Process 2021. Collection method: clinical testing. Allele origin: germline.

GeneDx
Classification: Likely benign. Last evaluated: 2020-12-26. Review status: criteria provided, single submitter. Criteria: GeneDx Variant Classification Process June 2021. Collection method: clinical testing. Allele origin: germline. Affected: yes.

Breakthrough Genomics
Classification: Likely benign. Review status: criteria provided, single submitter. Criteria: ACMG Guidelines, 2015. Collection method: not provided. Allele origin: germline. Inheritance: Autosomal recessive inheritance. Affected: yes.

PreventionGenetics, part of Exact Sciences
Classification: Benign. Review status: criteria provided, single submitter. Criteria: ACMG Guidelines, 2015. Collection method: clinical testing. Allele origin: germline.

NM_173551.5(ANKS6):c.1767G>A (p.Ala589=)

Gene: ANKS6 (ankyrin repeat and sterile alpha motif domain containing 6; minus strand). Cytogenetic location: 9q22.33.
Variant type: single nucleotide variant.
Coding change: c.1767G>A on transcript NM_173551.5 (MANE Select); coding-DNA position 1767, G replaced by A.
Protein change: p.Ala589=; no amino-acid change (alanine 589 retained).
Molecular consequence: synonymous variant.
Genome position (GRCh38, 1-based): chr9:98,773,931, C>T on the plus strand (G>A on the coding strand, the complement: ANKS6 is on the minus strand). VCF-style: chr9-98773931-C-T. GRCh37 (hg19) VCF-style: chr9-101536213-C-T.
Other names: p.Ala589=.
Identifiers: ClinVar variation 262845 (VCV000262845.18), dbSNP rs115807585, ClinGen allele CA5153371.